The following is an entry in ClinVar:

ClinVar aggregate classification (germline): Uncertain significance (1 of 4 stars; one submission).

gnomAD v4.1: 1 of 1,613,946 alleles (0.000062%); no homozygotes.

Submission:

Labcorp Genetics (formerly Invitae), Labcorp
Classification: Uncertain significance. Last evaluated: 2025-05-18. Review status: criteria provided, single submitter. Criteria: Invitae Variant Classification Sherloc (09022015). Collection method: clinical testing. Allele origin: germline.
Comment: This sequence change replaces methionine, which is neutral and non-polar, with valine, which is neutral and non-polar, at codon 3260 of the FRAS1 protein (p.Met3260Val). This variant is not present in population databases (gnomAD no frequency). This variant has not been reported in the literature in individuals affected with FRAS1-related conditions. An algorithm developed to predict the effect of missense changes on protein structure and function (PolyPhen-2) suggests that this variant is likely to be tolerated. In summary, the available evidence is currently insufficient to determine the role of this variant in disease. Therefore, it has been classified as a Variant of Uncertain Significance.

NM_025074.7(FRAS1):c.9778A>G (p.Met3260Val)

Gene: FRAS1 (Fraser extracellular matrix complex subunit 1; plus strand). Cytogenetic location: 4q21.21.
Variant type: single nucleotide variant.
Coding change: c.9778A>G on transcript NM_025074.7 (MANE Select); coding-DNA position 9778, A replaced by G.
Protein change: p.Met3260Val; replaces methionine 3260 with valine.
Molecular consequence: missense variant.
Genome position (GRCh38, 1-based): chr4:78,509,004, A>G. VCF-style: chr4-78509004-A-G. GRCh37 (hg19) VCF-style: chr4-79430158-A-G.
Other names: short protein forms M3260V.
Identifiers: ClinVar variation 4767825 (VCV004767825.1).
Genomic context (GRCh38, chr4:78,509,004, plus strand): 5'-GGGGCCCGGTCTCCCTTTGAAACCATCACTGACAACACACCATTCACCAGTGTCAACCAC[A>G]TGGTAGGTCTGGGGGTCTGGGCCTGGTTCTCCCTCCCTGGGAGAGAACTGGTGTTGTTCT-3'
Protein context (NP_079350.5, residues 3250-3270): DNTPFTSVNH[Met3260Val]VLDSIYFSRR